The following is an entry in ClinVar:

NM_001942.4(DSG1):c.1114A>G (p.Ile372Val)

Gene: DSG1 (desmoglein 1; plus strand). Cytogenetic location: 18q12.1.
Variant type: single nucleotide variant.
Coding change: c.1114A>G on transcript NM_001942.4 (MANE Select); coding-DNA position 1114, A replaced by G.
Protein change: p.Ile372Val; replaces isoleucine 372 with valine.
Molecular consequence: missense variant.
Genome position (GRCh38, 1-based): chr18:31,336,462, A>G. VCF-style: chr18-31336462-A-G. GRCh37 (hg19) VCF-style: chr18-28916425-A-G.
Other names: short protein forms I372V.
Identifiers: ClinVar variation 3014965 (VCV003014965.3), dbSNP rs748211006, ClinGen allele CA8926018.

ClinVar aggregate classification (germline): Uncertain significance (1 of 4 stars; one submission).

Allele frequency attached by ClinVar (database versions not stated): ExAC 0.00001; gnomAD exomes below 0.00001; gnomAD 0.00001; TOPMed 0.00001.
gnomAD v4.1: 8 of 1,613,898 alleles (0.0005%); highest among the groups gnomAD compares: Admixed American, 0.013%; no homozygotes.

Submission:

Labcorp Genetics (formerly Invitae), Labcorp
Classification: Uncertain significance. Last evaluated: 2025-10-21. Review status: criteria provided, single submitter. Criteria: Invitae Variant Classification Sherloc (09022015). Collection method: clinical testing. Allele origin: germline.
Comment: This sequence change replaces isoleucine, which is neutral and non-polar, with valine, which is neutral and non-polar, at codon 372 of the DSG1 protein (p.Ile372Val). This variant is present in population databases (rs748211006, gnomAD 0.01%). This variant has not been reported in the literature in individuals affected with DSG1-related conditions. ClinVar contains an entry for this variant (Variation ID: 3014965). Invitae Evidence Modeling of protein sequence and biophysical properties (such as structural, functional, and spatial information, amino acid conservation, physicochemical variation, residue mobility, and thermodynamic stability) indicates that this missense variant is not expected to disrupt DSG1 protein function with a negative predictive value of 80%. In summary, the available evidence is currently insufficient to determine the role of this variant in disease. Therefore, it has been classified as a Variant of Uncertain Significance.